The following is an entry in ClinVar:

ClinVar aggregate classification (germline): Uncertain significance. Review status: criteria provided, multiple submitters, no conflicts (2 of 4 stars). 3 submissions from 3 submitters: Uncertain significance (3). Last evaluated 2024-05-14.

Conditions:
Inborn genetic diseases. Identifiers: MedGen C0950123, MeSH D030342.

Allele frequency attached by ClinVar (database versions not stated): TOPMed 0.00001; gnomAD exomes 0.00002; ExAC 0.00003; ESP Exome Variant Server 0.00008; gnomAD 0.00001.
gnomAD v4.1: 29 of 1,613,960 alleles (0.0018%); highest among the groups gnomAD compares: Non-Finnish European, 0.0022%; no homozygotes.

Submissions (3):

Ambry Genetics
Classification: Uncertain significance for Inborn genetic diseases. Last evaluated: 2024-05-14. Review status: criteria provided, single submitter. Criteria: Ambry Variant Classification Scheme 2023. Collection method: clinical testing. Allele origin: germline.

Labcorp Genetics (formerly Invitae), Labcorp
Classification: Uncertain significance. Last evaluated: 2021-08-28. Review status: criteria provided, single submitter. Criteria: Invitae Variant Classification Sherloc (09022015). Collection method: clinical testing. Allele origin: germline.
Comment: This sequence change replaces leucine with valine at codon 757 of the WDR62 protein (p.Leu757Val). The leucine residue is weakly conserved and there is a small physicochemical difference between leucine and valine. This variant is present in population databases (rs150593960, ExAC 0.003%). This variant has not been reported in the literature in individuals affected with WDR62-related conditions. ClinVar contains an entry for this variant (Variation ID: 425172). Algorithms developed to predict the effect of missense changes on protein structure and function (SIFT, PolyPhen-2, Align-GVGD) all suggest that this variant is likely to be tolerated. In summary, the available evidence is currently insufficient to determine the role of this variant in disease. Therefore, it has been classified as a Variant of Uncertain Significance.

CeGaT Center for Human Genetics Tuebingen
Classification: Uncertain significance. Last evaluated: 2017-01-01. Review status: criteria provided, single submitter. Criteria: CeGaT Center For Human Genetics Tuebingen Variant Classification Criteria Version 2. Collection method: clinical testing. Allele origin: germline. Affected: yes. Observed: 1 variant allele.

NM_001083961.2(WDR62):c.2269C>G (p.Leu757Val)

Gene: WDR62 (WD repeat domain 62; plus strand). Cytogenetic location: 19q13.12.
Variant type: single nucleotide variant.
Coding change: c.2269C>G on transcript NM_001083961.2 (MANE Select); coding-DNA position 2269, C replaced by G.
Protein change: p.Leu757Val; replaces leucine 757 with valine.
Molecular consequence: missense variant.
Genome position (GRCh38, 1-based): chr19:36,092,747, C>G. VCF-style: chr19-36092747-C-G. GRCh37 (hg19) VCF-style: chr19-36583649-C-G.
Other names: c.2269C>G (NM_001083961.1); c.2269C>G, p.Leu757Val (NM_173636.5); short protein forms L757V.
Identifiers: ClinVar variation 425172 (VCV000425172.47), dbSNP rs150593960, ClinGen allele CA9395885.